The following is an entry in ClinVar:

ClinVar aggregate classification (germline): Uncertain significance. Review status: criteria provided, single submitter (1 of 4 stars). 2 submissions from 2 submitters: Uncertain significance (1). 1 of the submissions does not count toward it. Last evaluated 2024-05-13.

Conditions:
POU6F2-related disorder. Also called: POU6F2-related condition.

Allele frequency attached by ClinVar (database versions not stated): ExAC 0.00038.

Submissions (2):

Ambry Genetics
Classification: Uncertain significance. Last evaluated: 2024-05-13. Review status: criteria provided, single submitter. Criteria: Ambry Variant Classification Scheme 2023. Collection method: clinical testing. Allele origin: germline.

PreventionGenetics, part of Exact Sciences
Classification: Likely benign for POU6F2-related condition. Last evaluated: 2022-05-10. Review status: no assertion criteria provided. Collection method: clinical testing. Allele origin: germline. Not counted in ClinVar's aggregate classification.
Comment: This variant is classified as likely benign based on ACMG/AMP sequence variant interpretation guidelines (Richards et al. 2015 PMID: 25741868, with internal and published modifications).

NM_001370959.1(POU6F2):c.719C>T (p.Ala240Val)

Gene: POU6F2 (POU class 6 homeobox 2; plus strand). Cytogenetic location: 7p14.1.
Variant type: single nucleotide variant.
Coding change: c.719C>T on transcript NM_001370959.1 (MANE Select); coding-DNA position 719, C replaced by T.
Protein change: p.Ala240Val; replaces alanine 240 with valine.
Molecular consequence: missense variant.
Genome position (GRCh38, 1-based): chr7:39,339,762, C>T. VCF-style: chr7-39339762-C-T. GRCh37 (hg19) VCF-style: chr7-39379361-C-T.
Other names: c.632C>T, p.Ala211Val (NM_001166018.2, NM_007252.4); short protein forms A211V, A240V.
Identifiers: ClinVar variation 3057716 (VCV003057716.3), dbSNP rs779363584, ClinGen allele CA4227606.